The following is an entry in ClinVar:

ClinVar aggregate classification (germline): Likely benign (1 of 4 stars; one submission).

Allele frequency attached by ClinVar (database versions not stated): gnomAD exomes 0.00008; gnomAD 0.00009; ExAC 0.00011; TOPMed 0.00013; ESP Exome Variant Server 0.00015.
gnomAD v4.1: 146 of 1,604,660 alleles (0.0091%); highest among the groups gnomAD compares: Middle Eastern, 0.28%; 1 homozygote.

Submission:

CeGaT Center for Human Genetics Tuebingen
Classification: Likely benign. Last evaluated: 2022-12-01. Review status: criteria provided, single submitter. Criteria: CeGaT Center For Human Genetics Tuebingen Variant Classification Criteria Version 2. Collection method: clinical testing. Allele origin: germline. Affected: yes. Observed: 1 variant allele.
Comment: PNISR: BP4, BP7

NM_032870.4(PNISR):c.1038G>A (p.Leu346=)

Gene: PNISR (PNN interacting serine and arginine rich protein; minus strand). Cytogenetic location: 6q16.2.
Variant type: single nucleotide variant.
Coding change: c.1038G>A on transcript NM_032870.4 (MANE Select); coding-DNA position 1038, G replaced by A.
Protein change: p.Leu346=; no amino-acid change (leucine 346 retained).
Molecular consequence: synonymous variant. On other transcripts: non-coding transcript variant (1).
Genome position (GRCh38, 1-based): chr6:99,404,667, C>T on the plus strand (G>A on the coding strand, the complement: PNISR is on the minus strand). VCF-style: chr6-99404667-C-T. GRCh37 (hg19) VCF-style: chr6-99852543-C-T.
Other names: c.1038G>A, p.Leu346= (NM_001322405.2, NM_001322406.2, NM_001322408.2 and 7 more transcripts).
Identifiers: ClinVar variation 2656780 (VCV002656780.24), dbSNP rs144012623, ClinGen allele CA3934772.